The following is an entry in ClinVar:

NM_000883.4(IMPDH1):c.1321C>T (p.Arg441Cys)

Gene: IMPDH1 (inosine monophosphate dehydrogenase 1; minus strand). Cytogenetic location: 7q32.1.
Variant type: single nucleotide variant.
Coding change: c.1321C>T on transcript NM_000883.4 (MANE Select); coding-DNA position 1321, C replaced by T.
Protein change: p.Arg441Cys; replaces arginine 441 with cysteine.
Molecular consequence: missense variant.
Genome position (GRCh38, 1-based): chr7:128,395,215, G>A on the plus strand (C>T on the coding strand, the complement: IMPDH1 is on the minus strand). VCF-style: chr7-128395215-G-A. GRCh37 (hg19) VCF-style: chr7-128035269-G-A.
Other names: c.1291C>T, p.Arg431Cys (NM_001102605.2); c.1066C>T, p.Arg356Cys (NM_001142573.2); c.1051C>T, p.Arg351Cys (NM_001142574.2); c.991C>T, p.Arg331Cys (NM_001142575.2); c.1222C>T, p.Arg408Cys (NM_001142576.2); c.1114C>T, p.Arg372Cys (NM_001304521.2); c.1213C>T, p.Arg405Cys (NM_183243.3); short protein forms R441C, R331C, R372C, R408C, R351C, R356C, R405C, R431C.
Identifiers: ClinVar variation 958940 (VCV000958940.9), dbSNP rs748430457, ClinGen allele CA4470865.
Genomic context (GRCh38, chr7:128,395,215, plus strand): 5'-CCTTGACCACGTGTCCCACGGTCTGGATGCCGCCATCGGCTATGATGGGCACACCAAAGC[G>A]CCGGGCATACTCAGCCACCTTGTACACAGCAGTGCCCTGGGGCCGACCACAGGCCATCAC-3'
Protein context (NP_000874.2, residues 431-451): AVYKVAEYAR[Arg441Cys]FGVPIIADGG

ClinVar aggregate classification (germline): Uncertain significance (1 of 4 stars; one submission).

Allele frequency attached by ClinVar (database versions not stated): gnomAD exomes 0.00001 and 0.00002; ExAC 0.00002.
gnomAD v4.1: 3 of 1,613,894 alleles (0.00019%); highest among the groups gnomAD compares: South Asian, 0.0022%; no homozygotes.

Submission:

Labcorp Genetics (formerly Invitae), Labcorp
Classification: Uncertain significance. Last evaluated: 2025-12-13. Review status: criteria provided, single submitter. Criteria: Invitae Variant Classification Sherloc (09022015). Collection method: clinical testing. Allele origin: germline.
Comment: This sequence change replaces arginine, which is basic and polar, with cysteine, which is neutral and slightly polar, at codon 441 of the IMPDH1 protein (p.Arg441Cys). This variant is present in population databases (rs748430457, gnomAD 0.006%). This variant has not been reported in the literature in individuals affected with IMPDH1-related conditions. ClinVar contains an entry for this variant (Variation ID: 958940). An algorithm developed to predict the effect of missense changes on protein structure and function (PolyPhen-2) suggests that this variant is likely to be tolerated. In summary, the available evidence is currently insufficient to determine the role of this variant in disease. Therefore, it has been classified as a Variant of Uncertain Significance.